The following is an entry in ClinVar:

NM_177438.3(DICER1):c.1758G>A (p.Leu586=)

Gene: DICER1 (dicer 1, ribonuclease III; minus strand). Cytogenetic location: 14q32.13.
Variant type: single nucleotide variant.
Coding change: c.1758G>A on transcript NM_177438.3 (MANE Select); coding-DNA position 1758, G replaced by A.
Protein change: p.Leu586=; no amino-acid change (leucine 586 retained).
Molecular consequence: synonymous variant.
Genome position (GRCh38, 1-based): chr14:95,115,816, C>T on the plus strand (G>A on the coding strand, the complement: DICER1 is on the minus strand). VCF-style: chr14-95115816-C-T. GRCh37 (hg19) VCF-style: chr14-95582153-C-T.
Other names: c.1758G>A, p.Leu586= (NM_001195573.1, NM_001271282.3, NM_001291628.2 and 1 more transcripts).
Identifiers: ClinVar variation 417086 (VCV000417086.25), dbSNP rs368558276, ClinGen allele CA16614546.
Genomic context (GRCh38, chr14:95,115,816, plus strand): 5'-ATCCATGACAGGATCAATGTCAGTCTCACCAGTATCAACCGACTTGGAACACTTGTTTCT[C>T]AAGATCTGAACATTTAAAAAACAGAACTTATGATGAAAACACATCCTCTCTGCTGTATGC-3'
Protein context (NP_803187.1, residues 576-596): LKTYKAIEKI[Leu586=]RNKCSKSVDT

ClinVar aggregate classification (germline): Benign/Likely benign. Review status: criteria provided, multiple submitters, no conflicts (2 of 4 stars). 7 submissions from 7 submitters: Benign (1); Likely benign (5). 1 of the submissions does not count toward it. Last evaluated 2026-04-15.

Conditions:
DICER1-related tumor predisposition. Also called: DICER1-related pleuropulmonary blastoma cancer predisposition syndrome; DICER1 syndrome. Identifiers: Orphanet 284343, MedGen C3839822, MONDO:0100216.
Hereditary cancer-predisposing syndrome. Also called: Hereditary Cancer Syndrome; Neoplastic Syndromes, Hereditary; Hereditary neoplastic syndrome; Tumor predisposition. Identifiers: Orphanet 140162, MedGen C0027672, MeSH D009386, MONDO:0015356.
DICER1-related disorder. Also called: DICER1-related condition.

Allele frequency attached by ClinVar (database versions not stated): ESP Exome Variant Server 0.00008; gnomAD 0.00001; TOPMed below 0.00001; gnomAD exomes 0.00001.
gnomAD v4.1: 14 of 1,614,004 alleles (0.00087%); highest among the groups gnomAD compares: Non-Finnish European, 0.001%; no homozygotes.

Submissions (7):

Myriad Genetics, Inc.
Classification: Benign for DICER1-related tumor predisposition. Last evaluated: 2026-04-15. Review status: criteria provided, single submitter. Criteria: Myriad Autosomal Dominant, Autosomal Recessive and X-Linked Classification Criteria (2023). Collection method: clinical testing. Allele origin: unknown.
Comment: This variant is considered benign. This variant is a silent/synonymous amino acid change and it is not expected to impact splicing.

Labcorp Genetics (formerly Invitae), Labcorp
Classification: Likely benign for DICER1-related tumor predisposition. Last evaluated: 2025-10-01. Review status: criteria provided, single submitter. Criteria: Invitae Variant Classification Sherloc (09022015). Collection method: clinical testing. Allele origin: germline.

Hereditary Cancer Group, L’Institut d'Investigació Biomèdica de Bellvitge
Classification: Likely benign for Hereditary cancer-predisposing syndrome. Last evaluated: 2024-12-19. Review status: criteria provided, single submitter. Criteria: Hatton et al. (Hum Mutat. 2023). Collection method: clinical testing. Allele origin: germline. Inheritance: Autosomal dominant inheritance. Affected: yes.
Comment: BP4, BP7

ARUP Laboratories, Molecular Genetics and Genomics, ARUP Laboratories
Classification: Likely benign. Last evaluated: 2021-12-01. Review status: criteria provided, single submitter. Criteria: ARUP Molecular Germline Variant Investigation Process 2021. Collection method: clinical testing. Allele origin: germline.

Sema4
Classification: Likely benign for Hereditary cancer-predisposing syndrome. Last evaluated: 2021-08-20. Review status: criteria provided, single submitter. Criteria: Sema4 Curation Guidelines. Collection method: curation. Allele origin: germline.

Ambry Genetics
Classification: Likely benign for Hereditary cancer-predisposing syndrome. Last evaluated: 2017-09-28. Review status: criteria provided, single submitter. Criteria: Ambry Variant Classification Scheme 2023. Collection method: clinical testing. Allele origin: germline.

PreventionGenetics, part of Exact Sciences
Classification: Likely benign for DICER1-related condition. Last evaluated: 2023-01-12. Review status: no assertion criteria provided. Collection method: clinical testing. Allele origin: germline. Not counted in ClinVar's aggregate classification.
Comment: This variant is classified as likely benign based on ACMG/AMP sequence variant interpretation guidelines (Richards et al. 2015 PMID: 25741868, with internal and published modifications).